The following is an entry in ClinVar:

ClinVar aggregate classification (germline): Uncertain significance. Review status: criteria provided, multiple submitters, no conflicts (2 of 4 stars). 2 submissions from 2 submitters: Uncertain significance (2). Last evaluated 2025-07-01.

Conditions:
Hereditary cancer-predisposing syndrome. Also called: Hereditary neoplastic syndrome; Neoplastic Syndromes, Hereditary; Tumor predisposition; Hereditary Cancer Syndrome. Identifiers: Orphanet 140162, MedGen C0027672, MeSH D009386, MONDO:0015356.
EGFR-related lung cancer (EGFR). Identifiers: MedGen CN130014.

Allele frequency attached by ClinVar (database versions not stated): gnomAD exomes below 0.00001; gnomAD 0.00001; 1000 Genomes Project 30x 0.00016; 1000 Genomes Project 0.00020.
gnomAD v4.1: 3 of 1,614,044 alleles (0.00019%); highest among the groups gnomAD compares: African/African-American, 0.0013%; no homozygotes.

Submissions (2):

Ambry Genetics
Classification: Uncertain significance for Hereditary cancer-predisposing syndrome. Last evaluated: 2025-07-01. Review status: criteria provided, single submitter. Criteria: Ambry Variant Classification Scheme 2023. Collection method: clinical testing. Allele origin: germline.
Comment: The p.V659L variant (also known as c.1975G>C), located in coding exon 17 of the EGFR gene, results from a G to C substitution at nucleotide position 1975. The valine at codon 659 is replaced by leucine, an amino acid with highly similar properties. This amino acid position is not well conserved in available vertebrate species. In addition, this alteration is predicted to be tolerated by in silico analysis. Based on the available evidence, the clinical significance of this variant remains unclear.

Labcorp Genetics (formerly Invitae), Labcorp
Classification: Uncertain significance for EGFR-related lung cancer. Last evaluated: 2025-04-18. Review status: criteria provided, single submitter. Criteria: Invitae Variant Classification Sherloc (09022015). Collection method: clinical testing. Allele origin: germline.
Comment: This sequence change replaces valine, which is neutral and non-polar, with leucine, which is neutral and non-polar, at codon 659 of the EGFR protein (p.Val659Leu). This variant is not present in population databases (gnomAD no frequency). This variant has not been reported in the literature in individuals affected with EGFR-related conditions. ClinVar contains an entry for this variant (Variation ID: 1003794). Invitae Evidence Modeling of protein sequence and biophysical properties (such as structural, functional, and spatial information, amino acid conservation, physicochemical variation, residue mobility, and thermodynamic stability) indicates that this missense variant is not expected to disrupt EGFR protein function with a negative predictive value of 80%. In summary, the available evidence is currently insufficient to determine the role of this variant in disease. Therefore, it has been classified as a Variant of Uncertain Significance.

NM_005228.5(EGFR):c.1975G>C (p.Val659Leu)

Gene: EGFR (epidermal growth factor receptor; plus strand). Cytogenetic location: 7p11.2.
Variant type: single nucleotide variant.
Coding change: c.1975G>C on transcript NM_005228.5 (MANE Select); coding-DNA position 1975, G replaced by C.
Protein change: p.Val659Leu; replaces valine 659 with leucine.
Molecular consequence: missense variant.
Genome position (GRCh38, 1-based): chr7:55,173,038, G>C. VCF-style: chr7-55173038-G-C. GRCh37 (hg19) VCF-style: chr7-55240731-G-C.
Other names: c.1840G>C, p.Val614Leu (NM_001346897.2, NM_001346899.2); c.1975G>C, p.Val659Leu (NM_001346898.2); c.1816G>C, p.Val606Leu (NM_001346900.2); c.1174G>C, p.Val392Leu (NM_001346941.2); c.1975G>C (NM_005228.3); short protein forms V392L, V606L, V614L, V659L.
Identifiers: ClinVar variation 1003794 (VCV001003794.10), dbSNP rs201580890, ClinGen allele CA158931051.